The following is an entry in ClinVar:

NM_001042475.3(CEP85L):c.1164G>T (p.Leu388=)

Gene: CEP85L (centrosomal protein 85L; minus strand). Cytogenetic location: 6q22.31.
Variant type: single nucleotide variant.
Coding change: c.1164G>T on transcript NM_001042475.3 (MANE Select); coding-DNA position 1164, G replaced by T.
Protein change: p.Leu388=; no amino-acid change (leucine 388 retained).
Molecular consequence: synonymous variant.
Genome position (GRCh38, 1-based): chr6:118,511,391, C>A on the plus strand (G>T on the coding strand, the complement: CEP85L is on the minus strand). VCF-style: chr6-118511391-C-A. GRCh37 (hg19) VCF-style: chr6-118832554-C-A.
Other names: c.1173G>T, p.Leu391= (NM_001178035.2); c.1164G>T, p.Leu388= (NM_206921.3).
Identifiers: ClinVar variation 3770888 (VCV003770888.13).

ClinVar aggregate classification (germline): Likely benign (1 of 4 stars; one submission).

Submission:

CeGaT Center for Human Genetics Tuebingen
Classification: Likely benign. Last evaluated: 2026-08-01. Review status: criteria provided, single submitter. Criteria: CeGaT Center For Human Genetics Tuebingen Variant Classification Criteria Version 2. Collection method: clinical testing. Allele origin: germline. Affected: yes. Observed: 5 variant alleles.
Comment: CEP85L: BP4, BP7